The following is an entry in ClinVar:

NM_001330078.2(NRXN1):c.702C>T (p.Cys234=)

Gene: NRXN1 (neurexin 1; minus strand). Cytogenetic location: 2p16.3.
Variant type: single nucleotide variant.
Coding change: c.702C>T on transcript NM_001330078.2 (MANE Select); coding-DNA position 702, C replaced by T.
Protein change: p.Cys234=; no amino-acid change (cysteine 234 retained).
Molecular consequence: synonymous variant.
Genome position (GRCh38, 1-based): chr2:51,027,572, G>A on the plus strand (C>T on the coding strand, the complement: NRXN1 is on the minus strand). VCF-style: chr2-51027572-G-A. GRCh37 (hg19) VCF-style: chr2-51254710-G-A.
Other names: c.702C>T, p.Cys234= (NM_001135659.3, NM_001330077.2, NM_001330079.2 and 15 more transcripts); c.702C>T (NM_001135659.2).
Identifiers: ClinVar variation 516409 (VCV000516409.12), dbSNP rs200357811, ClinGen allele CA1655427.

ClinVar aggregate classification (germline): Likely benign. Review status: criteria provided, multiple submitters, no conflicts (2 of 4 stars). 3 submissions from 3 submitters: Likely benign (2). 1 of the submissions does not count toward it. Last evaluated 2025-07-14.

Conditions:
Pitt-Hopkins-like syndrome 2 (PTHSL2). Identifiers: Orphanet 221150, Orphanet 600663, MedGen C3280479, MONDO:0013690, OMIM 614325.
NRXN1-related disorder.

Allele frequency attached by ClinVar (database versions not stated): gnomAD exomes below 0.00001 and 0.00002; ExAC 0.00001; gnomAD 0.00002 and 0.00003; TOPMed 0.00003; ESP Exome Variant Server 0.00008.
gnomAD v4.1: 29 of 1,604,980 alleles (0.0018%); highest among the groups gnomAD compares: Non-Finnish European, 0.0024%; no homozygotes.

Submissions (3):

Labcorp Genetics (formerly Invitae), Labcorp
Classification: Likely benign for Pitt-Hopkins-like syndrome 2. Last evaluated: 2025-07-14. Review status: criteria provided, single submitter. Criteria: Invitae Variant Classification Sherloc (09022015). Collection method: clinical testing. Allele origin: germline.

GeneDx
Classification: Likely benign. Last evaluated: 2020-09-23. Review status: criteria provided, single submitter. Criteria: GeneDx Variant Classification Process June 2021. Collection method: clinical testing. Allele origin: germline. Affected: yes.

PreventionGenetics, part of Exact Sciences
Classification: Likely benign for NRXN1-related condition. Last evaluated: 2019-03-15. Review status: no assertion criteria provided. Collection method: clinical testing. Allele origin: germline. Not counted in ClinVar's aggregate classification.
Comment: This variant is classified as likely benign based on ACMG/AMP sequence variant interpretation guidelines (Richards et al. 2015 PMID: 25741868, with internal and published modifications).